The following is an entry in ClinVar:

NM_000441.2(SLC26A4):c.305-2A>G

Gene: SLC26A4 (solute carrier family 26 member 4; plus strand). Cytogenetic location: 7q22.3.
Variant type: single nucleotide variant.
Coding change: c.305-2A>G on transcript NM_000441.2 (MANE Select); the canonical splice acceptor site of the intron before coding-DNA position 305, A replaced by G.
Molecular consequence: splice acceptor variant.
Genome position (GRCh38, 1-based): chr7:107,672,136, A>G. VCF-style: chr7-107672136-A-G. GRCh37 (hg19) VCF-style: chr7-107312581-A-G.
Other names: c.305-2A>G (NM_000441.1).
Identifiers: ClinVar variation 2136585 (VCV002136585.5), dbSNP rs1258714232, ClinGen allele CA368846883.

ClinVar aggregate classification (germline): Likely pathogenic. Review status: criteria provided, multiple submitters, no conflicts (2 of 4 stars). 2 submissions from 2 submitters: Likely pathogenic (2). Last evaluated 2026-04-24.

Conditions:
SLC26A4-related disorder. Also called: SLC26A4-related condition; SLC26A4-related disorders.

Allele frequency attached by ClinVar (database versions not stated): TOPMed 0.00001.

Submissions (2):

PreventionGenetics, part of Exact Sciences
Classification: Likely pathogenic for SLC26A4-related condition. Last evaluated: 2026-04-24. Review status: criteria provided, single submitter. Criteria: ACMG Guidelines, 2015. Collection method: clinical testing. Allele origin: germline.
Comment: The SLC26A4 c.305-2A>G variant is predicted to disrupt the AG splice acceptor site and interfere with normal splicing. This variant has been reported in two individuals with congenital sensorineural hearing loss in the absence of information on a second potentially causative variant (described as IVS2-2A>G, Chen et al. 2011. PubMed ID: 21704276; Hutchin et al. 2005. PubMed ID: 16283880). This variant has not been reported in a large population database (gnomAD), indicating this variant is rare. Variants that disrupt the consensus splice acceptor site in SLC26A4 are expected to be pathogenic. This variant is interpreted as likely pathogenic.

Labcorp Genetics (formerly Invitae), Labcorp
Classification: Likely pathogenic. Last evaluated: 2022-10-14. Review status: criteria provided, single submitter. Criteria: Invitae Variant Classification Sherloc (09022015). Collection method: clinical testing. Allele origin: germline.
Comment: In summary, the currently available evidence indicates that the variant is pathogenic, but additional data are needed to prove that conclusively. Therefore, this variant has been classified as Likely Pathogenic. Algorithms developed to predict the effect of sequence changes on RNA splicing suggest that this variant may disrupt the consensus splice site. Disruption of this splice site has been observed in individual(s) with deafness (PMID: 21704276). This variant is not present in population databases (gnomAD no frequency). This sequence change affects an acceptor splice site in intron 3 of the SLC26A4 gene. It is expected to disrupt RNA splicing. Variants that disrupt the donor or acceptor splice site typically lead to a loss of protein function (PMID: 16199547), and loss-of-function variants in SLC26A4 are known to be pathogenic (PMID: 16283880, 25394566, 26252218, 26445815).

Literature cited by the submitters: PubMed 21704276 (cited by Labcorp Genetics (formerly Invitae), Labcorp); PubMed 16199547 (cited by Labcorp Genetics (formerly Invitae), Labcorp); PubMed 16283880 (cited by Labcorp Genetics (formerly Invitae), Labcorp); PubMed 25394566 (cited by Labcorp Genetics (formerly Invitae), Labcorp); PubMed 26252218 (cited by Labcorp Genetics (formerly Invitae), Labcorp); PubMed 26445815 (cited by Labcorp Genetics (formerly Invitae), Labcorp).